The following is an entry in ClinVar:

NM_001903.5(CTNNA1):c.1906del (p.Glu636fs)

Gene: CTNNA1 (catenin alpha 1; plus strand). Cytogenetic location: 5q31.2.
Variant type: Deletion.
Coding change: c.1906del on transcript NM_001903.5 (MANE Select); coding-DNA position 1906, one base deleted (G; older notation c.1906delG).
Protein change: p.Glu636fs; shifts the reading frame from glutamic acid 636.
Molecular consequence: frameshift variant.
Genome position (GRCh38, 1-based): chr5:138,929,252, G deleted. VCF-style (leftmost placement, unchanged base first): chr5-138929251-TG-T. GRCh37 (hg19) VCF-style: chr5-138264940-TG-T.
Other names: c.796del, p.Glu266fs (NM_001323998.1, NM_001323999.1, NM_001324000.1 and 17 more transcripts); c.457del, p.Glu153fs (NM_001324006.1, NM_001324007.1, NM_001324008.1 and 2 more transcripts); c.1906del, p.Glu636fs (NM_001290307.3, NM_001323982.2, NM_001323983.1 and 2 more transcripts); c.1597del, p.Glu533fs (NM_001290309.3); c.1537del, p.Glu513fs (NM_001290310.3); c.1813del, p.Glu605fs (NM_001323986.2); c.703del, p.Glu235fs (NM_001324011.1); c.553del, p.Glu185fs (NM_001324012.1, NM_001324013.1); short protein forms E153fs, E185fs, E235fs, E266fs, E513fs, E533fs, E605fs, E636fs.
Identifiers: ClinVar variation 2573254 (VCV002573254.1), dbSNP rs2533819573, ClinGen allele CA2578421084.
Genomic context (GRCh38, chr5:138,929,251, plus strand): 5'-TGGGGGCTGGTGGCCCAGAGATGTGTCTGACCTGTGATCTTTGTCTGGGTGGCAGACCCC[TG>T]AGGAGTTGGATGACTCTGACTTTGAGACAGAAGATTTTGATGTCAGAAGCAGGACGAGCG-3'

ClinVar aggregate classification (germline): Pathogenic (1 of 4 stars; one submission).

Conditions:
Hereditary diffuse gastric adenocarcinoma (HDGC). Also called: DIFFUSE GASTRIC AND LOBULAR BREAST CANCER SYNDROME. Identifiers: Orphanet 26106, MedGen C1708349, MONDO:0007648, OMIM 137215.

Submission:

Myriad Genetics, Inc.
Classification: Pathogenic for Hereditary diffuse gastric adenocarcinoma. Last evaluated: 2023-03-29. Review status: criteria provided, single submitter. Criteria: Myriad Autosomal Dominant, Autosomal Recessive and X-Linked Classification Criteria (2023). Collection method: clinical testing. Allele origin: unknown.
Comment: This variant is considered pathogenic. This variant creates a frameshift predicted to result in premature protein truncation.